The following is an entry in ClinVar:

ClinVar aggregate classification (germline): Uncertain significance (1 of 4 stars; one submission).

Conditions:
Bloom syndrome (BLM). Also called: Bloom-Torre-Machacek syndrome. Identifiers: Orphanet 125, MedGen C0005859, MONDO:0008876, OMIM 210900.

Submission:

Labcorp Genetics (formerly Invitae), Labcorp
Classification: Uncertain significance for Bloom syndrome. Last evaluated: 2020-12-11. Review status: criteria provided, single submitter. Criteria: Invitae Variant Classification Sherloc (09022015). Collection method: clinical testing. Allele origin: germline.
Comment: This variant has not been reported in the literature in individuals with BLM-related conditions. This sequence change replaces threonine with alanine at codon 471 of the BLM protein (p.Thr471Ala). The threonine residue is weakly conserved and there is a small physicochemical difference between threonine and alanine. This variant is not present in population databases (ExAC no frequency). Algorithms developed to predict the effect of missense changes on protein structure and function output the following: SIFT: "Tolerated"; PolyPhen-2: "Benign"; Align-GVGD: "Class C0". The alanine amino acid residue is found in multiple mammalian species, suggesting that this missense change does not adversely affect protein function. These predictions have not been confirmed by published functional studies and their clinical significance is uncertain. In summary, the available evidence is currently insufficient to determine the role of this variant in disease. Therefore, it has been classified as a Variant of Uncertain Significance.

NM_000057.4(BLM):c.1411A>G (p.Thr471Ala)

Gene: BLM (BLM RecQ like helicase; plus strand). Cytogenetic location: 15q26.1.
Variant type: single nucleotide variant.
Coding change: c.1411A>G on transcript NM_000057.4 (MANE Select); coding-DNA position 1411, A replaced by G.
Protein change: p.Thr471Ala; replaces threonine 471 with alanine.
Molecular consequence: missense variant.
Genome position (GRCh38, 1-based): chr15:90,760,784, A>G. VCF-style: chr15-90760784-A-G. GRCh37 (hg19) VCF-style: chr15-91304014-A-G.
Other names: c.1411A>G, p.Thr471Ala (NM_001287246.2, NM_001287247.2); c.286A>G, p.Thr96Ala (NM_001287248.2); short protein forms T96A, T471A.
Identifiers: ClinVar variation 1507480 (VCV001507480.8), dbSNP rs2151158175, ClinGen allele CA393843003.
Genomic context (GRCh38, chr15:90,760,784, plus strand): 5'-AAGGAGTTAAATTTTTCACACCTTCCCTCAAATTCTGTTTCTCCTGGGGACTGTTTACTG[A>G]CTACCACCCTAGGAAAGACAGGATTCTCTGCCACCAGGAAGAATCTTTTTGAAAGGCCTT-3'
Protein context (NP_000048.1, residues 461-481): NSVSPGDCLL[Thr471Ala]TTLGKTGFSA